The following is an entry in ClinVar:

ClinVar aggregate classification (germline): Uncertain significance (1 of 4 stars; one submission).

Conditions:
Cardiovascular phenotype. Identifiers: MedGen CN230736.

Submission:

Ambry Genetics
Classification: Uncertain significance for Cardiovascular phenotype. Last evaluated: 2026-07-13. Review status: criteria provided, single submitter. Criteria: Ambry Variant Classification Scheme 2023. Collection method: clinical testing. Allele origin: germline.
Comment: The p.M1067I variant (also known as c.3201G>A), located in coding exon 23 of the MYH7 gene, results from a G to A substitution at nucleotide position 3201. The methionine at codon 1067 is replaced by isoleucine, an amino acid with highly similar properties. This amino acid position is conserved. In addition, the in silico prediction for this alteration is inconclusive. Based on the available evidence, the clinical significance of this variant remains unclear.

NM_000257.4(MYH7):c.3201G>A (p.Met1067Ile)

Gene: MYH7 (myosin heavy chain 7; minus strand). Cytogenetic location: 14q11.2.
Variant type: single nucleotide variant.
Coding change: c.3201G>A on transcript NM_000257.4 (MANE Select); coding-DNA position 3201, G replaced by A.
Protein change: p.Met1067Ile; replaces methionine 1067 with isoleucine.
Molecular consequence: missense variant.
Genome position (GRCh38, 1-based): chr14:23,422,224, C>T on the plus strand (G>A on the coding strand, the complement: MYH7 is on the minus strand). VCF-style: chr14-23422224-C-T. GRCh37 (hg19) VCF-style: chr14-23891433-C-T.
Other names: c.3201G>A, p.Met1067Ile (NM_001407004.1); short protein forms M1067I.
Identifiers: ClinVar variation 5025168 (VCV005025168.1).